The following is an entry in ClinVar:

NM_198994.3(TGM6):c.1577G>A (p.Arg526Gln)

Gene: TGM6 (transglutaminase 6; plus strand). Cytogenetic location: 20p13.
Variant type: single nucleotide variant.
Coding change: c.1577G>A on transcript NM_198994.3 (MANE Select); coding-DNA position 1577, G replaced by A.
Protein change: p.Arg526Gln; replaces arginine 526 with glutamine.
Molecular consequence: missense variant.
Genome position (GRCh38, 1-based): chr20:2,417,472, G>A. VCF-style: chr20-2417472-G-A. GRCh37 (hg19) VCF-style: chr20-2398118-G-A.
Other names: c.1577G>A (NM_198994.2); c.1577G>A, p.Arg526Gln (NM_001254734.2); short protein forms R526Q.
Identifiers: ClinVar variation 2902485 (VCV002902485.5), dbSNP rs750640949, ClinGen allele CA9732135.

ClinVar aggregate classification (germline): Uncertain significance. Review status: criteria provided, multiple submitters, no conflicts (2 of 4 stars). 3 submissions from 3 submitters: Uncertain significance (3). Last evaluated 2024-01-31.

Conditions:
Spinocerebellar ataxia type 35. Identifiers: Orphanet 276193, MedGen C3888031, MONDO:0013485, OMIM 613908.

Allele frequency attached by ClinVar (database versions not stated): gnomAD exomes 0.00001; TOPMed 0.00001; ExAC 0.00003.

Submissions (3):

Athena Diagnostics
Classification: Uncertain significance. Last evaluated: 2024-01-31. Review status: criteria provided, single submitter. Criteria: Athena Diagnostics Criteria. Collection method: clinical testing. Allele origin: unknown.
Comment: Available data are insufficient to determine the clinical significance of the variant at this time. The frequency of this variant in the general population is uninformative in assessment of its pathogenicity. Computational tools predict that this variant is not damaging.

Labcorp Genetics (formerly Invitae), Labcorp
Classification: Uncertain significance. Last evaluated: 2023-03-09. Review status: criteria provided, single submitter. Criteria: Invitae Variant Classification Sherloc (09022015). Collection method: clinical testing. Allele origin: germline.
Comment: This variant is present in population databases (rs750640949, gnomAD 0.004%). This sequence change replaces arginine, which is basic and polar, with glutamine, which is neutral and polar, at codon 526 of the TGM6 protein (p.Arg526Gln). This variant has not been reported in the literature in individuals affected with TGM6-related conditions. In summary, the available evidence is currently insufficient to determine the role of this variant in disease. Therefore, it has been classified as a Variant of Uncertain Significance. Advanced modeling of protein sequence and biophysical properties (such as structural, functional, and spatial information, amino acid conservation, physicochemical variation, residue mobility, and thermodynamic stability) performed at Invitae indicates that this missense variant is not expected to disrupt TGM6 protein function.

Department of Pathology and Laboratory Medicine, Sinai Health System
Classification: Uncertain significance for Spinocerebellar ataxia type 35. Last evaluated: 2022-02-18. Review status: criteria provided, single submitter. Criteria: ACMG Guidelines, 2015. Collection method: research. Allele origin: germline.